The following is an entry in ClinVar:

ClinVar aggregate classification (germline): Pathogenic (1 of 4 stars; one submission).

Conditions:
Ehlers-Danlos syndrome, classic type, 1 (EDSCL1). Also called: Ehlers-Danlos Syndrome, Classic Type, COL5A1-Related; EDS I; Ehlers-Danlos syndrome, type 1; EHLERS-DANLOS SYNDROME, GRAVIS TYPE; EHLERS-DANLOS SYNDROME, SEVERE CLASSIC TYPE. Identifiers: MedGen C0268335, MONDO:0019567, OMIM 130000.

Submission:

Labcorp Genetics (formerly Invitae), Labcorp
Classification: Pathogenic for Ehlers-Danlos syndrome, classic type, 1. Last evaluated: 2022-06-04. Review status: criteria provided, single submitter. Criteria: Invitae Variant Classification Sherloc (09022015). Collection method: clinical testing. Allele origin: germline.
Comment: This sequence change falls in intron 27 of the COL5A1 gene. It does not directly change the encoded amino acid sequence of the COL5A1 protein. It affects a nucleotide within the consensus splice site. This variant is not present in population databases (gnomAD no frequency). This variant has been observed in individual(s) with a COL5A1-related disease (Invitae). In at least one individual the variant was observed to be de novo. ClinVar contains an entry for this variant (Variation ID: 565657). Variants that disrupt the consensus splice site are a relatively common cause of aberrant splicing (PMID: 17576681, 9536098). Algorithms developed to predict the effect of sequence changes on RNA splicing suggest that this variant may disrupt the consensus splice site. For these reasons, this variant has been classified as Pathogenic.

Literature cited by the submitters: PubMed 17576681; PubMed 9536098.

NM_000093.5(COL5A1):c.2386-3C>G

Gene: COL5A1 (collagen type V alpha 1 chain; plus strand). Cytogenetic location: 9q34.3.
Variant type: single nucleotide variant.
Coding change: c.2386-3C>G on transcript NM_000093.5 (MANE Select); 3 bases into the intron before coding-DNA position 2386, C replaced by G.
Molecular consequence: intron variant.
Genome position (GRCh38, 1-based): chr9:134,780,099, C>G. VCF-style: chr9-134780099-C-G. GRCh37 (hg19) VCF-style: chr9-137671945-C-G.
Other names: c.2386-3C>G (NM_001278074.1).
Identifiers: ClinVar variation 565657 (VCV000565657.11), dbSNP rs1564453831, ClinGen allele CA891842585.